The following is an entry in ClinVar:

NM_000388.4(CASR):c.797T>G (p.Val266Gly)

Gene: CASR (calcium sensing receptor; plus strand). Cytogenetic location: 3q21.1.
Variant type: single nucleotide variant.
Coding change: c.797T>G on transcript NM_000388.4 (MANE Select); coding-DNA position 797, T replaced by G.
Protein change: p.Val266Gly; replaces valine 266 with glycine.
Molecular consequence: missense variant.
Genome position (GRCh38, 1-based): chr3:122,261,832, T>G. VCF-style: chr3-122261832-T-G. GRCh37 (hg19) VCF-style: chr3-121980679-T-G.
Other names: c.797T>G, p.Val266Gly (NM_001178065.2); short protein forms V266G.
Identifiers: ClinVar variation 2922700 (VCV002922700.3), dbSNP rs2473226531, ClinGen allele CA354151378.

ClinVar aggregate classification (germline): Uncertain significance (1 of 4 stars; one submission).

Conditions:
Autosomal dominant hypocalcemia 1 (HYPOC1). Also called: HYPOCALCEMIA, FAMILIAL. Identifiers: MedGen C3715128, MONDO:0011013, OMIM 601198.
Familial hypocalciuric hypercalcemia (FHH). Also called: Familial benign hypercalcemia. Identifiers: Orphanet 405, MedGen C1809471, MONDO:0018458.

Submission:

Labcorp Genetics (formerly Invitae), Labcorp
Classification: Uncertain significance for Familial hypocalciuric hypercalcemia; Autosomal dominant hypocalcemia 1. Last evaluated: 2024-09-01. Review status: criteria provided, single submitter. Criteria: Invitae Variant Classification Sherloc (09022015). Collection method: clinical testing. Allele origin: germline.
Comment: This sequence change replaces valine, which is neutral and non-polar, with glycine, which is neutral and non-polar, at codon 266 of the CASR protein (p.Val266Gly). This variant is not present in population databases (gnomAD no frequency). This variant has not been reported in the literature in individuals affected with CASR-related conditions. An algorithm developed to predict the effect of missense changes on protein structure and function (PolyPhen-2) suggests that this variant is likely to be disruptive. In summary, the available evidence is currently insufficient to determine the role of this variant in disease. Therefore, it has been classified as a Variant of Uncertain Significance.